The following is an entry in ClinVar:

NM_014633.5(CTR9):c.2165A>C (p.Tyr722Ser)

Gene: CTR9 (CTR9 component of Paf1/RNA polymerase II complex; plus strand). Cytogenetic location: 11p15.4.
Variant type: single nucleotide variant.
Coding change: c.2165A>C on transcript NM_014633.5 (MANE Select); coding-DNA position 2165, A replaced by C.
Protein change: p.Tyr722Ser; replaces tyrosine 722 with serine.
Molecular consequence: missense variant.
Genome position (GRCh38, 1-based): chr11:10,770,265, A>C. VCF-style: chr11-10770265-A-C. GRCh37 (hg19) VCF-style: chr11-10791812-A-C.
Other names: c.2165A>C, p.Tyr722Ser (NM_001346279.2); short protein forms Y722S.
Identifiers: ClinVar variation 2087323 (VCV002087323.4), dbSNP rs1376432143, ClinGen allele CA379674543.

ClinVar aggregate classification (germline): Uncertain significance (1 of 4 stars; one submission).

Submission:

Labcorp Genetics (formerly Invitae), Labcorp
Classification: Uncertain significance. Last evaluated: 2022-03-11. Review status: criteria provided, single submitter. Criteria: Invitae Variant Classification Sherloc (09022015). Collection method: clinical testing. Allele origin: germline.
Comment: In summary, the available evidence is currently insufficient to determine the role of this variant in disease. Therefore, it has been classified as a Variant of Uncertain Significance. Algorithms developed to predict the effect of missense changes on protein structure and function are either unavailable or do not agree on the potential impact of this missense change (SIFT: "Deleterious"; PolyPhen-2: "Possibly Damaging"; Align-GVGD: "Class C0"). This variant has not been reported in the literature in individuals affected with CTR9-related conditions. This variant is not present in population databases (gnomAD no frequency). This sequence change replaces tyrosine, which is neutral and polar, with serine, which is neutral and polar, at codon 722 of the CTR9 protein (p.Tyr722Ser).